The following is an entry in ClinVar:

NM_001256627.2(BRSK2):c.1159A>G (p.Ser387Gly)

Gene: BRSK2 (BR serine/threonine kinase 2; plus strand). Cytogenetic location: 11p15.5.
Variant type: single nucleotide variant.
Coding change: c.1159A>G on transcript NM_001256627.2 (MANE Select); coding-DNA position 1159, A replaced by G.
Protein change: p.Ser387Gly; replaces serine 387 with glycine.
Molecular consequence: missense variant. On other transcripts: non-coding transcript variant (1).
Genome position (GRCh38, 1-based): chr11:1,445,840, A>G. VCF-style: chr11-1445840-A-G. GRCh37 (hg19) VCF-style: chr11-1467070-A-G.
Other names: c.1159A>G, p.Ser387Gly (NM_001256629.2, NM_003957.4); c.1297A>G, p.Ser433Gly (NM_001256630.1); c.979A>G, p.Ser327Gly (NM_001282218.2); short protein forms S327G, S387G, S433G.
Identifiers: ClinVar variation 1803474 (VCV001803474.1), dbSNP rs1252355922, ClinGen allele CA379061872.
Genomic context (GRCh38, chr11:1,445,840, plus strand): 5'-TCCCCGATGCTGAACCGGCACGGCAAGCGGCGGCCAGAACGCAAATCCATGGAGGTGCTC[A>G]GCGTGACGGACGGCGGCTCCCCGGTGCCTGCGCGGCGGGCCATTGAGATGGCCCAGCACG-3'
Protein context (NP_001243556.1, residues 377-397): RPERKSMEVL[Ser387Gly]VTDGGSPVPA

ClinVar aggregate classification (germline): Uncertain significance (1 of 4 stars; one submission).

Allele frequency attached by ClinVar (database versions not stated): gnomAD exomes below 0.00001; TOPMed below 0.00001; gnomAD 0.00001.
gnomAD v4.1: 3 of 1,612,280 alleles (0.00019%); highest among the groups gnomAD compares: Admixed American, 0.0033%; no homozygotes.

Submission:

GeneDx
Classification: Uncertain significance. Last evaluated: 2022-06-09. Review status: criteria provided, single submitter. Criteria: GeneDx Variant Classification Process June 2021. Collection method: clinical testing. Allele origin: germline. Affected: yes.
Comment: In silico analysis supports that this missense variant does not alter protein structure/function; Has not been previously published as pathogenic or benign to our knowledge